The following is an entry in ClinVar:

ClinVar aggregate classification (germline): Uncertain significance (1 of 4 stars; one submission).

Conditions:
Primary ciliary dyskinesia 28. Also called: CILIARY DYSKINESIA, PRIMARY, 28, WITH OR WITHOUT SITUS INVERSUS. Identifiers: Orphanet 244, MedGen C3809706, MONDO:0014216, OMIM 615505.

Submission:

Labcorp Genetics (formerly Invitae), Labcorp
Classification: Uncertain significance for Primary ciliary dyskinesia 28. Last evaluated: 2022-12-15. Review status: criteria provided, single submitter. Criteria: Invitae Variant Classification Sherloc (09022015). Collection method: clinical testing. Allele origin: germline.
Comment: In summary, the available evidence is currently insufficient to determine the role of this variant in disease. Therefore, it has been classified as a Variant of Uncertain Significance. Advanced modeling of protein sequence and biophysical properties (such as structural, functional, and spatial information, amino acid conservation, physicochemical variation, residue mobility, and thermodynamic stability) performed at Invitae indicates that this missense variant is expected to disrupt SPAG1 protein function. This variant has not been reported in the literature in individuals affected with SPAG1-related conditions. This variant is not present in population databases (gnomAD no frequency). This sequence change replaces lysine, which is basic and polar, with asparagine, which is neutral and polar, at codon 267 of the SPAG1 protein (p.Lys267Asn).

NM_003114.5(SPAG1):c.801G>T (p.Lys267Asn)

Gene: SPAG1 (sperm associated antigen 1; plus strand). Cytogenetic location: 8q22.2.
Variant type: single nucleotide variant.
Coding change: c.801G>T on transcript NM_003114.5 (MANE Select); coding-DNA position 801, G replaced by T.
Protein change: p.Lys267Asn; replaces lysine 267 with asparagine.
Molecular consequence: missense variant.
Genome position (GRCh38, 1-based): chr8:100,187,219, G>T. VCF-style: chr8-100187219-G-T. GRCh37 (hg19) VCF-style: chr8-101199447-G-T.
Other names: c.801G>T, p.Lys267Asn (NM_001374321.1, NM_172218.3); short protein forms K267N.
Identifiers: ClinVar variation 2806982 (VCV002806982.3), dbSNP rs1187160345, ClinGen allele CA371803172.
Genomic context (GRCh38, chr8:100,187,219, plus strand): 5'-TCGAGCTCAAGCAGAAATCAAATTACAGAACTGGAATAGTGCTTTTCAGGATTGTGAAAA[G>T]GTCTTGGAGTTAGAACCTGGAAACGTAAAGGGTAAAAAATATTATAGAATTCTTTTACAT-3'
Protein context (NP_003105.2, residues 257-277): NWNSAFQDCE[Lys267Asn]VLELEPGNVK